The following is an entry in ClinVar:

NM_001376.5(DYNC1H1):c.180C>T (p.Ser60=)

Gene: DYNC1H1 (dynein cytoplasmic 1 heavy chain 1; plus strand). Cytogenetic location: 14q32.31.
Variant type: single nucleotide variant.
Coding change: c.180C>T on transcript NM_001376.5 (MANE Select); coding-DNA position 180, C replaced by T.
Protein change: p.Ser60=; no amino-acid change (serine 60 retained).
Molecular consequence: synonymous variant.
Genome position (GRCh38, 1-based): chr14:101,964,871, C>T. VCF-style: chr14-101964871-C-T. GRCh37 (hg19) VCF-style: chr14-102431208-C-T.
Identifiers: ClinVar variation 2507314 (VCV002507314.1), dbSNP rs2503644420, ClinGen allele CA488183078.

ClinVar aggregate classification (germline): Uncertain significance (1 of 4 stars; one submission).

Allele frequency attached by ClinVar (database versions not stated): gnomAD exomes below 0.00001.
gnomAD v4.1: 1 of 1,597,148 alleles (0.000063%); highest among the groups gnomAD compares: Non-Finnish European, 0.000085%; no homozygotes.

Submission:

GeneDx
Classification: Uncertain significance. Last evaluated: 2022-12-29. Review status: criteria provided, single submitter. Criteria: GeneDx Variant Classification Process June 2021. Collection method: clinical testing. Allele origin: germline. Affected: yes.
Comment: Not observed at significant frequency in large population cohorts (gnomAD); In silico analysis supports that this variant does not alter splicing; Has not been previously published as pathogenic or benign to our knowledge